The following is an entry in ClinVar:

NM_001035.3(RYR2):c.5417C>T (p.Ala1806Val)

Gene: RYR2 (ryanodine receptor 2; plus strand). Cytogenetic location: 1q43.
Variant type: single nucleotide variant.
Coding change: c.5417C>T on transcript NM_001035.3 (MANE Select); coding-DNA position 5417, C replaced by T.
Protein change: p.Ala1806Val; replaces alanine 1806 with valine.
Molecular consequence: missense variant.
Genome position (GRCh38, 1-based): chr1:237,614,545, C>T. VCF-style: chr1-237614545-C-T. GRCh37 (hg19) VCF-style: chr1-237777845-C-T.
Other names: short protein forms A1806V.
Identifiers: ClinVar variation 1010006 (VCV001010006.14), dbSNP rs1415713582, ClinGen allele CA345404987.

ClinVar aggregate classification (germline): Uncertain significance. Review status: criteria provided, multiple submitters, no conflicts (2 of 4 stars). 3 submissions from 3 submitters: Uncertain significance (3). Last evaluated 2024-03-06.

Conditions:
Cardiovascular phenotype. Identifiers: MedGen CN230736.
Cardiomyopathy (CMYO). Also called: Cardiomyopathies. Identifiers: Orphanet 167848, MedGen C0878544, MONDO:0004994, HP:0001638. Inheritance: Various modes of inheritance.
Catecholaminergic polymorphic ventricular tachycardia 1. Also called: VENTRICULAR TACHYCARDIA, STRESS-INDUCED POLYMORPHIC 1; VENTRICULAR TACHYCARDIA, CATECHOLAMINERGIC POLYMORPHIC, 1, WITH OR WITHOUT ATRIAL DYSFUNCTION AND/OR DILATED CARDIOMYOPATHY; RYR2-Related Catecholaminergic Polymorphic Ventricular Tachycardia. Identifiers: Orphanet 3286, MedGen C1631597, MONDO:0011484, OMIM 604772.

Allele frequency attached by ClinVar (database versions not stated): gnomAD exomes below 0.00001.
gnomAD v4.1: 1 of 1,614,058 alleles (0.000062%); highest among the groups gnomAD compares: Middle Eastern, 0.016%; no homozygotes.

Submissions (3):

Color Diagnostics, LLC DBA Color Health
Classification: Uncertain significance for Cardiomyopathy. Last evaluated: 2024-03-06. Review status: criteria provided, single submitter. Criteria: ACMG Guidelines, 2015. Collection method: clinical testing. Allele origin: germline.
Comment: This missense variant replaces alanine with valine at codon 1806 of the RYR2 protein. Computational prediction suggests that this variant may not impact protein structure and function (internally defined REVEL score threshold <= 0.5, PMID: 27666373). To our knowledge, functional studies have not been reported for this variant. This variant has not been reported in individuals affected with cardiovascular disorders in the literature. This variant has not been identified in the general population by the Genome Aggregation Database (gnomAD). The available evidence is insufficient to determine the role of this variant in disease conclusively. Therefore, this variant is classified as a Variant of Uncertain Significance.

Labcorp Genetics (formerly Invitae), Labcorp
Classification: Uncertain significance for Catecholaminergic polymorphic ventricular tachycardia 1. Last evaluated: 2020-10-29. Review status: criteria provided, single submitter. Criteria: Invitae Variant Classification Sherloc (09022015). Collection method: clinical testing. Allele origin: germline.
Comment: This variant is not present in population databases (ExAC no frequency). In summary, the available evidence is currently insufficient to determine the role of this variant in disease. Therefore, it has been classified as a Variant of Uncertain Significance. Advanced modeling of protein sequence and biophysical properties (such as structural, functional, and spatial information, amino acid conservation, physicochemical variation, residue mobility, and thermodynamic stability) performed at Invitae indicates that this missense variant is not expected to disrupt RYR2 protein function. This variant has not been reported in the literature in individuals with RYR2-related conditions. This sequence change replaces alanine with valine at codon 1806 of the RYR2 protein (p.Ala1806Val). The alanine residue is highly conserved and there is a small physicochemical difference between alanine and valine.

Ambry Genetics
Classification: Uncertain significance for Cardiovascular phenotype. Last evaluated: 2020-10-26. Review status: criteria provided, single submitter. Criteria: Ambry Variant Classification Scheme 2023. Collection method: clinical testing. Allele origin: germline.
Comment: The p.A1806V variant (also known as c.5417C>T), located in coding exon 37 of the RYR2 gene, results from a C to T substitution at nucleotide position 5417. The alanine at codon 1806 is replaced by valine, an amino acid with similar properties. This amino acid position is not well conserved in available vertebrate species, and valine is the reference amino acid in other vertebrate species. In addition, this alteration is predicted to be tolerated by in silico analysis. Since supporting evidence is limited at this time, the clinical significance of this alteration remains unclear.